The following is an entry in ClinVar:

NM_006642.5(SDCCAG8):c.1574C>A (p.Thr525Lys)

Gene: SDCCAG8 (SHH signaling and ciliogenesis regulator SDCCAG8; plus strand). Cytogenetic location: 1q43.
Variant type: single nucleotide variant.
Coding change: c.1574C>A on transcript NM_006642.5 (MANE Select); coding-DNA position 1574, C replaced by A.
Protein change: p.Thr525Lys; replaces threonine 525 with lysine.
Molecular consequence: missense variant.
Genome position (GRCh38, 1-based): chr1:243,378,821, C>A. VCF-style: chr1-243378821-C-A. GRCh37 (hg19) VCF-style: chr1-243542123-C-A.
Other names: c.671C>A, p.Thr224Lys (NM_001350246.2, NM_001350247.2, NM_001350251.2); c.1670C>A, p.Thr557Lys (NM_001350248.2); c.1280C>A, p.Thr427Lys (NM_001350249.2); short protein forms T224K, T525K, T557K, T427K.
Identifiers: ClinVar variation 1473392 (VCV001473392.8), dbSNP rs999154575, ClinGen allele CA40457254.

ClinVar aggregate classification (germline): Uncertain significance (1 of 4 stars; one submission).

Conditions:
Senior-Loken syndrome 7 (SLSN7). Identifiers: Orphanet 3156, MedGen C3150877, MONDO:0013326, OMIM 613615.
Bardet-Biedl syndrome 16 (BBS16). Identifiers: Orphanet 110, MedGen C3889474, MONDO:0014444, OMIM 615993.

Allele frequency attached by ClinVar (database versions not stated): TOPMed below 0.00001; gnomAD 0.00001; gnomAD exomes 0.00001.
gnomAD v4.1: 16 of 1,613,952 alleles (0.00099%); highest among the groups gnomAD compares: Non-Finnish European, 0.0014%; no homozygotes.

Submission:

Labcorp Genetics (formerly Invitae), Labcorp
Classification: Uncertain significance for Bardet-Biedl syndrome 16; Senior-Loken syndrome 7. Last evaluated: 2021-04-10. Review status: criteria provided, single submitter. Criteria: Invitae Variant Classification Sherloc (09022015). Collection method: clinical testing. Allele origin: germline.
Comment: In summary, the available evidence is currently insufficient to determine the role of this variant in disease. Therefore, it has been classified as a Variant of Uncertain Significance. Algorithms developed to predict the effect of missense changes on protein structure and function are either unavailable or do not agree on the potential impact of this missense change (SIFT: "Tolerated"; PolyPhen-2: "Probably Damaging"; Align-GVGD: "Class C0"). This variant has not been reported in the literature in individuals with SDCCAG8-related conditions. This variant is not present in population databases (ExAC no frequency). This sequence change replaces threonine with lysine at codon 525 of the SDCCAG8 protein (p.Thr525Lys). The threonine residue is highly conserved and there is a moderate physicochemical difference between threonine and lysine.